The following is an entry in ClinVar:

NM_177438.3(DICER1):c.439-9T>C

Gene: DICER1 (dicer 1, ribonuclease III; minus strand). Cytogenetic location: 14q32.13.
Variant type: single nucleotide variant.
Coding change: c.439-9T>C on transcript NM_177438.3 (MANE Select); 9 bases into the intron before coding-DNA position 439, T replaced by C.
Molecular consequence: intron variant.
Genome position (GRCh38, 1-based): chr14:95,130,201, A>G on the plus strand (T>C on the coding strand, the complement: DICER1 is on the minus strand). VCF-style: chr14-95130201-A-G. GRCh37 (hg19) VCF-style: chr14-95596538-A-G.
Other names: c.439-9T>C (NM_001291628.2, NM_030621.4, NM_001271282.3 and 1 more transcripts).
Identifiers: ClinVar variation 543672 (VCV000543672.14), dbSNP rs774024734, ClinGen allele CA7331659.

ClinVar aggregate classification (germline): Conflicting classifications of pathogenicity. Review status: criteria provided, conflicting classifications (1 of 4 stars). 3 submissions from 3 submitters: Uncertain significance (1); Likely benign (2). Last evaluated 2026-08-17.

Conditions:
DICER1-related tumor predisposition. Also called: DICER1 syndrome; DICER1-related pleuropulmonary blastoma cancer predisposition syndrome. Identifiers: Orphanet 284343, MedGen C3839822, MONDO:0100216.

Allele frequency attached by ClinVar (database versions not stated): gnomAD exomes 0.00001; TOPMed below 0.00001; ExAC 0.00001.
gnomAD v4.1: 3 of 1,611,284 alleles (0.00019%); highest among the groups gnomAD compares: Admixed American, 0.005%; no homozygotes.

Submissions (3):

Myriad Genetics, Inc.
Classification: Likely benign for DICER1-related tumor predisposition. Last evaluated: 2026-08-17. Review status: criteria provided, single submitter. Criteria: Myriad Autosomal Dominant, Autosomal Recessive and X-Linked Classification Criteria (2023). Collection method: clinical testing. Allele origin: unknown.
Comment: This variant is considered likely benign. This variant is intronic and is not expected to impact mRNA splicing.

Labcorp Genetics (formerly Invitae), Labcorp
Classification: Likely benign for DICER1-related tumor predisposition. Last evaluated: 2025-07-23. Review status: criteria provided, single submitter. Criteria: Invitae Variant Classification Sherloc (09022015). Collection method: clinical testing. Allele origin: germline.

Quest Diagnostics Nichols Institute San Juan Capistrano
Classification: Uncertain significance. Last evaluated: 2024-02-02. Review status: criteria provided, single submitter. Criteria: Quest Diagnostics criteria. Collection method: clinical testing. Allele origin: unknown.
Comment: The DICER1 c.439-9T>C variant has not been reported in individuals with DICER1-related conditions in the published literature. The frequency of this variant in the general population, 0.000087 (3/34476 chromosomes (Genome Aggregation Database)), is uninformative in the assessment of its pathogenicity. Analysis of this variant using software algorithms for the prediction of the effect of nucleotide changes on splicing yielded predictions that this variant does not affect DICER1 mRNA splicing. Based on the available information, we are unable to determine the clinical significance of this variant.